The following is an entry in ClinVar:

ClinVar aggregate classification (germline): Uncertain significance (1 of 4 stars; one submission).

Conditions:
Autosomal dominant limb-girdle muscular dystrophy type 1D (DNAJB6) (LGMDD1). Also called: MUSCULAR DYSTROPHY, LIMB-GIRDLE, TYPE 1D; MUSCULAR DYSTROPHY, AUTOSOMAL DOMINANT, WITH RIMMED VACUOLES; Autosomal dominant limb-girdle muscular dystrophy type 1D; Muscular dystrophy, limb-girdle, autosomal dominant 1. Identifiers: Orphanet 34516, MedGen C4721885, MONDO:0021018, OMIM 603511.

gnomAD v4.1: 15 of 1,526,630 alleles (0.00098%); highest among the groups gnomAD compares: Non-Finnish European, 0.0012%; no homozygotes.

Submission:

Labcorp Genetics (formerly Invitae), Labcorp
Classification: Uncertain significance for Autosomal dominant limb-girdle muscular dystrophy type 1D (DNAJB6). Last evaluated: 2024-10-05. Review status: criteria provided, single submitter. Criteria: Invitae Variant Classification Sherloc (09022015). Collection method: clinical testing. Allele origin: germline.
Comment: This sequence change replaces valine, which is neutral and non-polar, with alanine, which is neutral and non-polar, at codon 232 of the DNAJB6 protein (p.Val232Ala). This variant is not present in population databases (gnomAD no frequency). This variant has not been reported in the literature in individuals affected with DNAJB6-related conditions. Invitae Evidence Modeling of protein sequence and biophysical properties (such as structural, functional, and spatial information, amino acid conservation, physicochemical variation, residue mobility, and thermodynamic stability) indicates that this missense variant is not expected to disrupt DNAJB6 protein function with a negative predictive value of 80%. In summary, the available evidence is currently insufficient to determine the role of this variant in disease. Therefore, it has been classified as a Variant of Uncertain Significance.

NM_058246.4(DNAJB6):c.695T>C (p.Val232Ala)

Gene: DNAJB6 (DnaJ heat shock protein family (Hsp40) member B6; plus strand). Cytogenetic location: 7q36.3.
Variant type: single nucleotide variant.
Coding change: c.695T>C on transcript NM_058246.4 (MANE Select); coding-DNA position 695, T replaced by C.
Protein change: p.Val232Ala; replaces valine 232 with alanine.
Molecular consequence: missense variant.
Genome position (GRCh38, 1-based): chr7:157,409,798, T>C. VCF-style: chr7-157409798-T-C. GRCh37 (hg19) VCF-style: chr7-157202492-T-C.
Other names: c.350T>C, p.Val117Ala (NM_001363676.1); short protein forms V117A, V232A.
Identifiers: ClinVar variation 3686700 (VCV003686700.2).